The following is an entry in ClinVar:

ClinVar aggregate classification (germline): Uncertain significance (1 of 4 stars; one submission).

Conditions:
Inborn genetic diseases. Identifiers: MedGen C0950123, MeSH D030342.

Submission:

Ambry Genetics
Classification: Uncertain significance for Inborn genetic diseases. Last evaluated: 2024-12-20. Review status: criteria provided, single submitter. Criteria: Ambry Variant Classification Scheme 2023. Collection method: clinical testing. Allele origin: germline.
Comment: The p.S195L variant (also known as c.584C>T), located in coding exon 2 of the GATA2 gene, results from a C to T substitution at nucleotide position 584. The serine at codon 195 is replaced by leucine, an amino acid with dissimilar properties. This amino acid position is conserved. In addition, this alteration is predicted to be deleterious by in silico analysis. Based on the available evidence, the clinical significance of this variant remains unclear.

NM_032638.5(GATA2):c.584C>T (p.Ser195Leu)

Gene: GATA2 (GATA binding protein 2; minus strand). Cytogenetic location: 3q21.3.
Variant type: single nucleotide variant.
Coding change: c.584C>T on transcript NM_032638.5 (MANE Select); coding-DNA position 584, C replaced by T.
Protein change: p.Ser195Leu; replaces serine 195 with leucine.
Molecular consequence: missense variant.
Genome position (GRCh38, 1-based): chr3:128,486,014, G>A on the plus strand (C>T on the coding strand, the complement: GATA2 is on the minus strand). VCF-style: chr3-128486014-G-A. GRCh37 (hg19) VCF-style: chr3-128204857-G-A.
Other names: c.584C>T, p.Ser195Leu (NM_001145661.2, NM_001145662.1); short protein forms S195L.
Identifiers: ClinVar variation 3853007 (VCV003853007.1).
Genomic context (GRCh38, chr3:128,486,014, plus strand): 5'-ACCTGGTACTTGACGCCGTCCTTGTCCTCTCCTCGGGCTGCACTACCCCCCGCGGAAGAT[G>A]AGGCTGGAGACGCAGCCCCCGTGGTGCTAGGGTCAGGAGACACTTCTTTGGGTGGCGTGG-3'
Protein context (NP_116027.2, residues 185-205): PSTTGAASPA[Ser195Leu]SSAGGSAARG